The following is an entry in ClinVar:

ClinVar aggregate classification (germline): Pathogenic/Likely pathogenic. Review status: criteria provided, multiple submitters, no conflicts (2 of 4 stars). 10 submissions from 10 submitters: Pathogenic (7); Likely pathogenic (1). 2 of the submissions do not count toward it. Last evaluated 2026-05-08.

Conditions:
Autosomal recessive Alport syndrome (ATS2). Also called: ALPORT SYNDROME 2, AUTOSOMAL RECESSIVE; COL4A4 Alport Syndrome and Thin Basement Membrane Nephropathy; COL4A3-Related Nephropathy; Alport syndrome type 2. Identifiers: Orphanet 63, Orphanet 88919, MedGen C4746745, MONDO:0008762, OMIM 203780.
Hematuria, benign familial, 1 (BFH1). Also called: THIN MEMBRANE NEPHROPATHY. Identifiers: MedGen CN376803, MONDO:0007709, OMIM 141200.
Alport syndrome. Also called: Hemorrhagic familial nephritis; Hemorrhagic hereditary nephritis; Congenital hereditary hematuria. Identifiers: Orphanet 63, MedGen C1567741, MONDO:0018965.
Autosomal dominant Alport syndrome (ATS3A). Also called: Alport syndrome dominant type; Renal failure and sensorineural hearing loss; ALPORT SYNDROME 3A, AUTOSOMAL DOMINANT. Identifiers: Orphanet 63, Orphanet 88918, MedGen C5882663, MONDO:0007086, OMIM 104200.

Allele frequency attached by ClinVar (database versions not stated): gnomAD exomes 0.00001; gnomAD 0.00002; TOPMed 0.00002.
gnomAD v4.1: 14 of 1,608,358 alleles (0.00087%); highest among the groups gnomAD compares: Admixed American, 0.0067%; no homozygotes.

Submissions (10):

Centre de Génétique Humaine, Institut de Pathologie Et de Génétique
Classification: Pathogenic for Autosomal dominant Alport syndrome. Last evaluated: 2026-05-08. Review status: criteria provided, single submitter. Criteria: ACMG Guidelines, 2015. Collection method: clinical testing. Allele origin: germline, maternal. Inheritance: Autosomal dominant inheritance. Affected: yes. Observed: 2 variant alleles, 2 heterozygotes. Clinical features observed: Microscopic hematuria (HP:0002907), Severe albuminuria (HP:0033066), Hypertensive disorder (HP:0000822), Multiple renal cysts (HP:0005562), Stage 4 chronic kidney disease (HP:0012626), Moderate albuminuria (HP:0012594). Segregation with disease observed.
Comment: This missense variant involves a highly conserved glycine located in a ‘Gly-X-Y’ motif in collagenous region, which is characteristic of the pathogenic variants identified in the COL4A4 gene (PM1,PP2). This variant is rare: allelic frequency of 0.00087% in gnomAD v4.1.0 database (PM2). Another missense variant affecting the same residue described as LP, c.2879G>C, p.(Gly960Ala) in a patient with HFB, PMID: 38357258 (PM5). In silico analysis supports that this missense variant has a deleterious effect (PP3). Split NanoLuc-based α3α4α5(IV) heterotrimer assay: significantly decreased intracellular trimer formation and secretion, PMID: 39190490 (PS3). Described as LP/P in patients with AR AS, TBMN and HFB (PP5)

Labcorp Genetics (formerly Invitae), Labcorp
Classification: Pathogenic. Last evaluated: 2025-08-05. Review status: criteria provided, single submitter. Criteria: Invitae Variant Classification Sherloc (09022015). Collection method: clinical testing. Allele origin: germline.
Comment: This sequence change replaces glycine, which is neutral and non-polar, with arginine, which is basic and polar, at codon 960 of the COL4A4 protein (p.Gly960Arg). This variant is present in population databases (rs769783985, gnomAD 0.003%). This missense change has been observed in individual(s) with COL4A4-related conditions (PMID: 11961012, 12631110, 24633401). In at least one individual the data is consistent with being in trans (on the opposite chromosome) from a pathogenic variant. ClinVar contains an entry for this variant (Variation ID: 550472). Invitae Evidence Modeling of protein sequence and biophysical properties (such as structural, functional, and spatial information, amino acid conservation, physicochemical variation, residue mobility, and thermodynamic stability) indicates that this missense variant is expected to disrupt COL4A4 protein function with a positive predictive value of 95%. For these reasons, this variant has been classified as Pathogenic.

Natera, Inc.
Classification: Likely pathogenic for Alport syndrome. Last evaluated: 2025-03-17. Review status: criteria provided, single submitter. Criteria: Natera Variant Classification Schema (03/2026). Collection method: clinical testing. Allele origin: germline.
Comment: The c.2878G>A variant in COL4A4 is a missense variant predicted to cause substitution of glycine to arginine at amino acid 960. This variant is rare in the general population with a frequency below the threshold expected for the associated phenotype(s). This variant has been observed in one or more individuals affected with the associated recessive disease, as either homozygous or compound heterozygous with a second variant (PMID: 24633401). Functional studies show that this variant may disrupt protein function (PMID: 36514391, 39190490). This variant is located in a functionally critical region of the protein. Computational prediction algorithms indicate this variant is likely to affect gene or protein function. Given the available evidence, this variant is classified as Likely Pathogenic.

GeneDx
Classification: Pathogenic. Last evaluated: 2025-01-16. Review status: criteria provided, single submitter. Criteria: GeneDx Variant Classification Process June 2021. Collection method: clinical testing. Allele origin: germline.
Comment: Affects a glycine residue in a Gly-X-Y motif in the triple helical region of the COL4A4 gene, where the majority of pathogenic missense variants occur, and is predicted to disrupt normal protein folding and function (HGMD; PMID: 10752524); Not observed at significant frequency in large population cohorts (gnomAD); In silico analysis supports that this missense variant has a deleterious effect on protein structure/function; This variant is associated with the following publications: (PMID: 39558648, 31589614, 25525159, 10752524, 36514391, 11961012, 12631110, 35369551, 24633401, 39190490)

CeGaT Center for Human Genetics Tuebingen
Classification: Pathogenic. Last evaluated: 2024-09-01. Review status: criteria provided, single submitter. Criteria: CeGaT Center For Human Genetics Tuebingen Variant Classification Criteria Version 2. Collection method: clinical testing. Allele origin: germline. Affected: yes. Observed: 1 variant allele.
Comment: COL4A4: PM1:Strong, PP1:Strong, PM2, PS4:Moderate, PS3:Supporting

Victorian Clinical Genetics Services, Murdoch Childrens Research Institute
Classification: Pathogenic for Alport syndrome. Last evaluated: 2023-07-16. Review status: criteria provided, single submitter. Criteria: ACMG Guidelines, 2015. Collection method: clinical testing. Allele origin: germline. Affected: yes.
Comment: Based on the classification scheme VCGS_Germline_v1.3.4, this variant is classified as Pathogenic. Following criteria are met: 0103 - Loss of function is a known mechanism of disease for this gene and is associated with Alport syndrome. Dominant negative is a suspected mechanism of disease for this gene as it is a structural protein (PMIDs: 12028435, 24046192). (I) 0108 - This gene is associated with both recessive and dominant disease. Alport syndrome typically has biallelic inheritance, although rare cases of monoallelic inheritance have been reported (PMID: 28704582). Thin basement mebrane nephropathy (TBMN) and focal segmental glomerulosclerosis (FSGS) are associated with autosomal dominant inheritance (OMIM, PMIDs: 16467446, 17942953). (I) 0200 - Variant is predicted to result in a missense amino acid change from glycine to arginine. (I) 0251 - This variant is heterozygous. (I) 0304 - Variant is present in gnomAD (v2, v3) <0.01 (3 heterozygotes, 0 homozygotes). (SP) 0501 - Missense variant consistently predicted to be damaging by multiple in silico tools or highly conserved with a major amino acid change. (SP) 0601 - Variant is located in the well-established functional glycine residue within a triple helical repeat (DECIPHER, PMID: 33854215). (SP) 0801 - This variant has strong previous evidence of pathogenicity in unrelated individuals. This variant has been reported as pathogenic and likely pathogenic, and observed in several heterozygous families with thin basement membrane disease and familial benign haematuria, and in a compound heterozygous individual with Alport syndrome (ClinVar, PMID: 12631110, PMID: 11961012, PMID: 24633401). (SP) 1208 - Inheritance information for this variant is not currently available in this individual. (I) Legend: (SP) - Supporting pathogenic, (I) - Information, (SB) - Supporting benign

Athena Diagnostics
Classification: Pathogenic. Last evaluated: 2018-08-22. Review status: criteria provided, single submitter. Criteria: Athena Diagnostics Criteria. Collection method: clinical testing. Allele origin: germline.
Comment: The variant disrupts a glycine residue in the canonical Gly-X-Y repeats of the triple helix domain, which are required for stability and structure of this protein. Therefore it is expected to severely affect the function of the protein. Found in at least one symptomatic patient, and found in general population data that is consistent with pathogenicity.

Clinical Genetics Service, Universitary Hospital 12 de Octubre
Classification: Pathogenic for Hematuria, benign familial, 1. Review status: criteria provided, single submitter. Criteria: ACMG Guidelines, 2015. Collection method: clinical testing. Allele origin: germline. Affected: yes.

Bioscientia Institut fuer Medizinische Diagnostik GmbH, Sonic Healthcare
Classification: Pathogenic for Autosomal dominant Alport syndrome. Last evaluated: 2019-11-29. Review status: no assertion criteria provided. Collection method: clinical testing. Allele origin: germline. Affected: yes. Not counted in ClinVar's aggregate classification.

Counsyl
Classification: Likely pathogenic for Autosomal recessive Alport syndrome. Last evaluated: 2017-01-25. Review status: no assertion criteria provided. Collection method: clinical testing. Allele origin: unknown. Not counted in ClinVar's aggregate classification.

Literature cited by the submitters: PubMed 11961012 (cited by 4 submitters); PubMed 12631110 (cited by 4 submitters); PubMed 24633401 (cited by 6 submitters); PubMed 39558648 (cited by Centre de Génétique Humaine, Institut de Pathologie Et de Génétique); PubMed 36514391 (cited by Natera, Inc.); PubMed 39190490 (cited by Natera, Inc.); PubMed 12028435 (cited by Victorian Clinical Genetics Services, Murdoch Childrens Research Institute); PubMed 16467446 (cited by Victorian Clinical Genetics Services, Murdoch Childrens Research Institute); PubMed 17942953 (cited by Victorian Clinical Genetics Services, Murdoch Childrens Research Institute); PubMed 24046192 (cited by Victorian Clinical Genetics Services, Murdoch Childrens Research Institute); PubMed 28704582 (cited by Victorian Clinical Genetics Services, Murdoch Childrens Research Institute); PubMed 33854215 (cited by Victorian Clinical Genetics Services, Murdoch Childrens Research Institute).

NM_000092.5(COL4A4):c.2878G>A (p.Gly960Arg)

Gene: COL4A4 (collagen type IV alpha 4 chain; minus strand). Cytogenetic location: 2q36.3.
Variant type: single nucleotide variant.
Coding change: c.2878G>A on transcript NM_000092.5 (MANE Select); coding-DNA position 2878, G replaced by A.
Protein change: p.Gly960Arg; replaces glycine 960 with arginine.
Molecular consequence: missense variant.
Genome position (GRCh38, 1-based): chr2:227,052,395, C>T on the plus strand (G>A on the coding strand, the complement: COL4A4 is on the minus strand). VCF-style: chr2-227052395-C-T. GRCh37 (hg19) VCF-style: chr2-227917111-C-T.
Other names: p.(Gly960Arg); short protein forms G960R.
Identifiers: ClinVar variation 550472 (VCV000550472.32), dbSNP rs769783985, ClinGen allele CA66581878.